The following is an entry in ClinVar:

ClinVar aggregate classification (germline): Likely benign (1 of 4 stars; one submission).

Conditions:
ANOS1-related disorder. Also called: ANOS1-related condition.

Submission:

PreventionGenetics, part of Exact Sciences
Classification: Likely benign for ANOS1-related condition. Last evaluated: 2025-02-19. Review status: criteria provided, single submitter. Criteria: ACMG Guidelines, 2015. Collection method: clinical testing. Allele origin: germline.
Comment: This variant is classified as likely benign based on ACMG/AMP sequence variant interpretation guidelines (Richards et al. 2015 PMID: 25741868, with internal and published modifications).

NM_000216.4(ANOS1):c.-13_-8dup

Gene: ANOS1 (anosmin 1; minus strand). Cytogenetic location: Xp22.31.
Variant type: Duplication.
Coding change: c.-13_-8dup on transcript NM_000216.4 (MANE Select); 13 bases upstream of the start codon through 8 bases upstream of the start codon, 6 bases duplicated (TCGACC; older notation c.-13_-8dupTCGACC).
Molecular consequence: 5 prime UTR variant.
Genome position (GRCh38, 1-based): chrX:8,732,044-8,732,049, GGTCGA duplicated on the plus strand (TCGACC on the coding strand, the reverse complement: ANOS1 is on the minus strand); duplicating any 6 consecutive bases within chrX:8,732,044-8,732,051 gives the same sequence; the c. name uses the placement nearest the transcript's 3' end. VCF-style (leftmost placement, unchanged base first): chrX-8732043-G-GGGTCGA. GRCh37 (hg19) VCF-style: chrX-8700084-G-GGGTCGA.
Other names: c.-13_-8dup (NM_001440775.1).
Identifiers: ClinVar variation 4990694 (VCV004990694.1).